The following is an entry in ClinVar:

ClinVar aggregate classification (germline): Conflicting classifications of pathogenicity. Review status: criteria provided, conflicting classifications (1 of 4 stars). 2 submissions from 2 submitters: Uncertain significance (1); Likely benign (1). Last evaluated 2026-01-18.

gnomAD v4.1: 85 of 1,614,106 alleles (0.0053%); highest among the groups gnomAD compares: South Asian, 0.036%; no homozygotes.

Submissions (2):

Labcorp Genetics (formerly Invitae), Labcorp
Classification: Uncertain significance. Last evaluated: 2026-01-18. Review status: criteria provided, single submitter. Criteria: Invitae Variant Classification Sherloc (09022015). Collection method: clinical testing. Allele origin: germline.
Comment: This sequence change replaces isoleucine, which is neutral and non-polar, with valine, which is neutral and non-polar, at codon 103 of the BUB1 protein (p.Ile103Val). This variant is present in population databases (rs376910351, gnomAD 0.05%). This variant has not been reported in the literature in individuals affected with BUB1-related conditions. ClinVar contains an entry for this variant (Variation ID: 3483108). Experimental studies and prediction algorithms are not available or were not evaluated, and the functional significance of this variant is currently unknown. In summary, the available evidence is currently insufficient to determine the role of this variant in disease. Therefore, it has been classified as a Variant of Uncertain Significance.

Ambry Genetics
Classification: Likely benign. Last evaluated: 2024-07-05. Review status: criteria provided, single submitter. Criteria: Ambry Variant Classification Scheme 2023. Collection method: clinical testing. Allele origin: germline.

NM_004336.5(BUB1):c.307A>G (p.Ile103Val)

Gene: BUB1 (BUB1 mitotic checkpoint serine/threonine kinase; minus strand). Cytogenetic location: 2q13.
Variant type: single nucleotide variant.
Coding change: c.307A>G on transcript NM_004336.5 (MANE Select); coding-DNA position 307, A replaced by G.
Protein change: p.Ile103Val; replaces isoleucine 103 with valine.
Molecular consequence: missense variant.
Genome position (GRCh38, 1-based): chr2:110,672,776, T>C on the plus strand (A>G on the coding strand, the complement: BUB1 is on the minus strand). VCF-style: chr2-110672776-T-C. GRCh37 (hg19) VCF-style: chr2-111430353-T-C.
Other names: c.247A>G, p.Ile83Val (NM_001278616.2); c.307A>G, p.Ile103Val (NM_001278617.2); short protein forms I103V, I83V.
Identifiers: ClinVar variation 3483108 (VCV003483108.3).
Genomic context (GRCh38, chr2:110,672,776, plus strand): 5'-GAAGGACAGCACTGGCATGCTGCAGCTCTCCTTGGGCTTCCAGATGCCCCGCCCAGGCAA[T>C]GTACAGAGGGGATGACAGGGTTCCAATCCCATGGTTGTACAGAAACTCAAAAAATTGATG-3'
Protein context (NP_004327.1, residues 93-113): GIGTLSSPLY[Ile103Val]AWAGHLEAQG